The following is an entry in ClinVar:

NM_002772.3(TMPRSS15):c.1741G>T (p.Glu581Ter)

Gene: TMPRSS15 (transmembrane serine protease 15; minus strand). Cytogenetic location: 21q21.1.
Variant type: single nucleotide variant.
Coding change: c.1741G>T on transcript NM_002772.3 (MANE Select); coding-DNA position 1741, G replaced by T.
Protein change: p.Glu581Ter; replaces glutamic acid 581 with a stop codon.
Molecular consequence: nonsense.
Genome position (GRCh38, 1-based): chr21:18,329,208, C>A on the plus strand (G>T on the coding strand, the complement: TMPRSS15 is on the minus strand). VCF-style: chr21-18329208-C-A. GRCh37 (hg19) VCF-style: chr21-19701525-C-A.
Other names: short protein forms E581*.
Identifiers: ClinVar variation 2130735 (VCV002130735.4), dbSNP rs2075320961, ClinGen allele CA409849885.

ClinVar aggregate classification (germline): Pathogenic (1 of 4 stars; one submission).

Allele frequency attached by ClinVar (database versions not stated): gnomAD exomes below 0.00001.
gnomAD v4.1: 4 of 1,612,676 alleles (0.00025%); highest among the groups gnomAD compares: Non-Finnish European, 0.00034%; no homozygotes.

Submission:

Labcorp Genetics (formerly Invitae), Labcorp
Classification: Pathogenic. Last evaluated: 2022-04-25. Review status: criteria provided, single submitter. Criteria: Invitae Variant Classification Sherloc (09022015). Collection method: clinical testing. Allele origin: germline.
Comment: This variant is not present in population databases (gnomAD no frequency). For these reasons, this variant has been classified as Pathogenic. This variant has not been reported in the literature in individuals affected with TMPRSS15-related conditions. This sequence change creates a premature translational stop signal (p.Glu581*) in the TMPRSS15 gene. It is expected to result in an absent or disrupted protein product. Loss-of-function variants in TMPRSS15 are known to be pathogenic (PMID: 11719902).

Literature cited by the submitters: PubMed 11719902.